The following is an entry in ClinVar:

NM_001253697.2(ERBIN):c.592G>A (p.Glu198Lys)

Gene: ERBIN (erbb2 interacting protein; plus strand). Cytogenetic location: 5q12.3.
Variant type: single nucleotide variant.
Coding change: c.592G>A on transcript NM_001253697.2 (MANE Select); coding-DNA position 592, G replaced by A.
Protein change: p.Glu198Lys; replaces glutamic acid 198 with lysine.
Molecular consequence: missense variant.
Genome position (GRCh38, 1-based): chr5:66,021,380, G>A. VCF-style: chr5-66021380-G-A. GRCh37 (hg19) VCF-style: chr5-65317208-G-A.
Other names: c.592G>A, p.Glu198Lys (NM_001006600.3, NM_001253698.2, NM_001253699.2 and 2 more transcripts); short protein forms E198K.
Identifiers: ClinVar variation 1387914 (VCV001387914.8), dbSNP rs1217388829, ClinGen allele CA359974444.

ClinVar aggregate classification (germline): Uncertain significance (1 of 4 stars; one submission).

Allele frequency attached by ClinVar (database versions not stated): gnomAD 0.00001; TOPMed 0.00001.
gnomAD v4.1: 19 of 1,598,856 alleles (0.0012%); highest among the groups gnomAD compares: Non-Finnish European, 0.0015%; no homozygotes.

Submission:

Labcorp Genetics (formerly Invitae), Labcorp
Classification: Uncertain significance. Last evaluated: 2022-08-19. Review status: criteria provided, single submitter. Criteria: Invitae Variant Classification Sherloc (09022015). Collection method: clinical testing. Allele origin: germline.
Comment: This sequence change replaces glutamic acid, which is acidic and polar, with lysine, which is basic and polar, at codon 198 of the ERBIN protein (p.Glu198Lys). This variant is present in population databases (no rsID available, gnomAD 0.007%). This variant has not been reported in the literature in individuals affected with ERBIN-related conditions. ClinVar contains an entry for this variant (Variation ID: 1387914). Algorithms developed to predict the effect of missense changes on protein structure and function are either unavailable or do not agree on the potential impact of this missense change (SIFT: "Deleterious"; PolyPhen-2: "Benign"; Align-GVGD: "Class C0"). In summary, the available evidence is currently insufficient to determine the role of this variant in disease. Therefore, it has been classified as a Variant of Uncertain Significance.